The following is an entry in ClinVar:

ClinVar aggregate classification (germline): Uncertain significance (1 of 4 stars; one submission).

Conditions:
Myofibrillar myopathy 5. Also called: Filaminopathy (type); FILAMINOPATHY, AUTOSOMAL DOMINANT. Identifiers: Orphanet 171445, MedGen C1836050, MONDO:0012289, OMIM 609524.
Distal myopathy with posterior leg and anterior hand involvement. Also called: WILLIAMS DISTAL MYOPATHY. Identifiers: Orphanet 63273, MedGen C3279722, MONDO:0013550, OMIM 614065.
Hypertrophic cardiomyopathy 26. Also called: Cardiomyopathy, familial hypertrophic, 26. Identifiers: Orphanet 75249, MedGen C4310749, MONDO:0014883, OMIM 617047.

Allele frequency attached by ClinVar (database versions not stated): gnomAD exomes below 0.00001.
gnomAD v4.1: 1 of 1,612,384 alleles (0.000062%); highest among the groups gnomAD compares: Admixed American, 0.0017%; no homozygotes.

Submission:

Labcorp Genetics (formerly Invitae), Labcorp
Classification: Uncertain significance for Distal myopathy with posterior leg and anterior hand involvement; Myofibrillar myopathy 5; Hypertrophic cardiomyopathy 26. Last evaluated: 2025-12-09. Review status: criteria provided, single submitter. Criteria: Invitae Variant Classification Sherloc (09022015). Collection method: clinical testing. Allele origin: germline.
Comment: This sequence change replaces valine, which is neutral and non-polar, with phenylalanine, which is neutral and non-polar, at codon 2592 of the FLNC protein (p.Val2592Phe). The frequency data for this variant in the population databases is considered unreliable, as metrics indicate poor data quality at this position in the gnomAD database. This variant has not been reported in the literature in individuals affected with FLNC-related conditions. ClinVar contains an entry for this variant (Variation ID: 1483054). Invitae Evidence Modeling of protein sequence and biophysical properties (such as structural, functional, and spatial information, amino acid conservation, physicochemical variation, residue mobility, and thermodynamic stability) indicates that this missense variant is not expected to disrupt FLNC protein function with a negative predictive value of 80%. In summary, the available evidence is currently insufficient to determine the role of this variant in disease. Therefore, it has been classified as a Variant of Uncertain Significance.

NM_001458.5(FLNC):c.7774G>T (p.Val2592Phe)

Genes: FLNC (filamin C; plus strand), FLNC-AS1 (FLNC antisense RNA 1; minus strand). Cytogenetic location: 7q32.1.
Variant type: single nucleotide variant.
Coding change: c.7774G>T on transcript NM_001458.5 (MANE Select); coding-DNA position 7774, G replaced by T.
Protein change: p.Val2592Phe; replaces valine 2592 with phenylalanine.
Molecular consequence: missense variant.
Genome position (GRCh38, 1-based): chr7:128,857,330, G>T. VCF-style: chr7-128857330-G-T. GRCh37 (hg19) VCF-style: chr7-128497384-G-T.
Other names: c.7675G>T, p.Val2559Phe (NM_001127487.2); short protein forms V2592F, V2559F.
Identifiers: ClinVar variation 1483054 (VCV001483054.8), dbSNP rs1268909811, ClinGen allele CA369219973.